The following is an entry in ClinVar:

NM_000051.4(ATM):c.1382A>G (p.Glu461Gly)

Gene: ATM (ATM serine/threonine kinase; plus strand). Cytogenetic location: 11q22.3.
Variant type: single nucleotide variant.
Coding change: c.1382A>G on transcript NM_000051.4 (MANE Select); coding-DNA position 1382, A replaced by G.
Protein change: p.Glu461Gly; replaces glutamic acid 461 with glycine.
Molecular consequence: missense variant.
Genome position (GRCh38, 1-based): chr11:108,250,847, A>G. VCF-style: chr11-108250847-A-G. GRCh37 (hg19) VCF-style: chr11-108121574-A-G.
Other names: c.1382A>G, p.Glu461Gly (NM_001351834.2); c.1382A>G (NM_000051.3); short protein forms E461G.
Identifiers: ClinVar variation 1442288 (VCV001442288.11), dbSNP rs2080102342, ClinGen allele CA382533866.
Genomic context (GRCh38, chr11:108,250,847, plus strand): 5'-AGCTTCTACCCCAACAGCGACATGGGGAACGTACACCATATGTGTTACGATGCCTTACGG[A>G]AGTTGCATTGTGTCAAGACAAGAGGTCAAACCTAGAAAGCTCACAAAAGTCAGATTTATT-3'
Protein context (NP_000042.3, residues 451-471): RTPYVLRCLT[Glu461Gly]VALCQDKRSN

ClinVar aggregate classification (germline): Uncertain significance. Review status: criteria provided, multiple submitters, no conflicts (2 of 4 stars). 2 submissions from 2 submitters: Uncertain significance (2). Last evaluated 2025-11-05.

Conditions:
Ataxia-telangiectasia syndrome (AT). Also called: Ataxia-telangiectasia; LOUIS-BAR SYNDROME; AT, COMPLEMENTATION GROUP C; Ataxia-telangiectasia, complementation group E; Ataxia telangiectasia (A-T); Cerebello-oculocutaneous telangiectasia. Identifiers: Orphanet 100, MedGen C0004135, MONDO:0008840, OMIM 208900.
Hereditary cancer-predisposing syndrome. Also called: Tumor predisposition; Hereditary neoplastic syndrome; Hereditary Cancer Syndrome; Neoplastic Syndromes, Hereditary. Identifiers: Orphanet 140162, MedGen C0027672, MeSH D009386, MONDO:0015356.

Allele frequency attached by ClinVar (database versions not stated): TOPMed below 0.00001.

Submissions (2):

Labcorp Genetics (formerly Invitae), Labcorp
Classification: Uncertain significance for Ataxia-telangiectasia syndrome. Last evaluated: 2025-11-05. Review status: criteria provided, single submitter. Criteria: Invitae Variant Classification Sherloc (09022015). Collection method: clinical testing. Allele origin: germline.
Comment: This sequence change replaces glutamic acid, which is acidic and polar, with glycine, which is neutral and non-polar, at codon 461 of the ATM protein (p.Glu461Gly). This variant is not present in population databases (gnomAD no frequency). This variant has not been reported in the literature in individuals affected with ATM-related conditions. ClinVar contains an entry for this variant (Variation ID: 1442288). Invitae Evidence Modeling of protein sequence and biophysical properties (such as structural, functional, and spatial information, amino acid conservation, physicochemical variation, residue mobility, and thermodynamic stability) indicates that this missense variant is not expected to disrupt ATM protein function with a negative predictive value of 95%. In summary, the available evidence is currently insufficient to determine the role of this variant in disease. Therefore, it has been classified as a Variant of Uncertain Significance.

Ambry Genetics
Classification: Uncertain significance for Hereditary cancer-predisposing syndrome. Last evaluated: 2025-10-16. Review status: criteria provided, single submitter. Criteria: Ambry Variant Classification Scheme 2023. Collection method: clinical testing. Allele origin: germline.
Comment: The p.E461G variant (also known as c.1382A>G), located in coding exon 9 of the ATM gene, results from an A to G substitution at nucleotide position 1382. The glutamic acid at codon 461 is replaced by glycine, an amino acid with similar properties. In an assay testing ATM function, this variant showed a functionally normal result (Lee KS et al. Cell, 2025 Sep;188:5081-5099.e27). This amino acid position is conserved. In addition, the in silico prediction for this alteration is inconclusive. Based on the available evidence, the clinical significance of this variant remains unclear.

Literature cited by the submitters: PubMed 40580951 (cited by Ambry Genetics).